The following is an entry in ClinVar:

ClinVar aggregate classification (germline): Likely benign. Review status: criteria provided, multiple submitters, no conflicts (2 of 4 stars). 2 submissions from 2 submitters: Likely benign (2). Last evaluated 2025-11-01.

Conditions:
SEC24D-related disorder. Also called: SEC24D-related condition.

Allele frequency attached by ClinVar (database versions not stated): gnomAD 0.00016 and 0.00017; gnomAD exomes 0.00016; TOPMed 0.00017; ExAC 0.00021; ESP Exome Variant Server 0.00031; 1000 Genomes Project 30x 0.00047; 1000 Genomes Project 0.00060.
gnomAD v4.1: 352 of 1,611,770 alleles (0.022%); highest among the groups gnomAD compares: Admixed American, 0.039%; no homozygotes.

Submissions (2):

Labcorp Genetics (formerly Invitae), Labcorp
Classification: Likely benign. Last evaluated: 2025-11-01. Review status: criteria provided, single submitter. Criteria: Invitae Variant Classification Sherloc (09022015). Collection method: clinical testing. Allele origin: germline.

PreventionGenetics, part of Exact Sciences
Classification: Likely benign for SEC24D-related condition. Last evaluated: 2025-06-02. Review status: criteria provided, single submitter. Criteria: ACMG Guidelines, 2015. Collection method: clinical testing. Allele origin: germline.
Comment: This variant is classified as likely benign based on ACMG/AMP sequence variant interpretation guidelines (Richards et al. 2015 PMID: 25741868, with internal and published modifications).

NM_014822.4(SEC24D):c.1347A>G (p.Ser449=)

Gene: SEC24D (SEC24 homolog D, COPII component; minus strand). Cytogenetic location: 4q26.
Variant type: single nucleotide variant.
Coding change: c.1347A>G on transcript NM_014822.4 (MANE Select); coding-DNA position 1347, A replaced by G.
Protein change: p.Ser449=; no amino-acid change (serine 449 retained).
Molecular consequence: synonymous variant.
Genome position (GRCh38, 1-based): chr4:118,757,795, T>C on the plus strand (A>G on the coding strand, the complement: SEC24D is on the minus strand). VCF-style: chr4-118757795-T-C. GRCh37 (hg19) VCF-style: chr4-119678950-T-C.
Other names: c.1350A>G, p.Ser450= (NM_001318066.2).
Identifiers: ClinVar variation 708519 (VCV000708519.9), dbSNP rs191460150, ClinGen allele CA3057271.